The following is an entry in ClinVar:

NM_000144.5(FXN):c.151A>G (p.Thr51Ala)

Genes: FXN (frataxin; plus strand), LOC130001862 (ATAC-STARR-seq lymphoblastoid silent region 19931; plus strand). Cytogenetic location: 9q21.11.
Variant type: single nucleotide variant.
Coding change: c.151A>G on transcript NM_000144.5 (MANE Select); coding-DNA position 151, A replaced by G.
Protein change: p.Thr51Ala; replaces threonine 51 with alanine.
Molecular consequence: missense variant.
Genome position (GRCh38, 1-based): chr9:69,035,933, A>G. VCF-style: chr9-69035933-A-G. GRCh37 (hg19) VCF-style: chr9-71650849-A-G.
Other names: c.151A>G, p.Thr51Ala (NM_181425.3); short protein forms T51A.
Identifiers: ClinVar variation 3571619 (VCV003571619.1).

ClinVar aggregate classification (germline): Uncertain significance (1 of 4 stars; one submission).

Submission:

Athena Diagnostics
Classification: Uncertain significance. Last evaluated: 2024-04-24. Review status: criteria provided, single submitter. Criteria: Athena Diagnostics Criteria. Collection method: clinical testing. Allele origin: unknown.
Comment: Available data are insufficient to determine the clinical significance of the variant at this time. This variant has not been reported in large, multi-ethnic general populations. Polyphen and MutationTaster predict this amino acid change may be benign.